The following is an entry in ClinVar:

ClinVar aggregate classification (germline): Uncertain significance (1 of 4 stars; one submission).

Conditions:
Inborn genetic diseases. Identifiers: MedGen C0950123, MeSH D030342.

Submission:

Ambry Genetics
Classification: Uncertain significance for Inborn genetic diseases. Last evaluated: 2022-04-09. Review status: criteria provided, single submitter. Criteria: Ambry Variant Classification Scheme 2023. Collection method: clinical testing. Allele origin: germline.
Comment: The p.K1081R variant (also known as c.3242A>G), located in coding exon 24 of the LRRK2 gene, results from an A to G substitution at nucleotide position 3242. The lysine at codon 1081 is replaced by arginine, an amino acid with highly similar properties. This amino acid position is conserved. In addition, this alteration is predicted to be tolerated by in silico analysis. Since supporting evidence is limited at this time, the clinical significance of this alteration remains unclear.

NM_198578.4(LRRK2):c.3242A>G (p.Lys1081Arg)

Gene: LRRK2 (leucine rich repeat kinase 2; plus strand). Cytogenetic location: 12q12.
Variant type: single nucleotide variant.
Coding change: c.3242A>G on transcript NM_198578.4 (MANE Select); coding-DNA position 3242, A replaced by G.
Protein change: p.Lys1081Arg; replaces lysine 1081 with arginine.
Molecular consequence: missense variant.
Genome position (GRCh38, 1-based): chr12:40,298,388, A>G. VCF-style: chr12-40298388-A-G. GRCh37 (hg19) VCF-style: chr12-40692190-A-G.
Other names: short protein forms K1081R.
Identifiers: ClinVar variation 1729312 (VCV001729312.2), dbSNP rs2499746196, ClinGen allele CA384414768.